The following is an entry in ClinVar:

NM_022124.6(CDH23):c.437C>T (p.Pro146Leu)

Gene: CDH23 (cadherin related 23; plus strand). Cytogenetic location: 10q22.1.
Variant type: single nucleotide variant.
Coding change: c.437C>T on transcript NM_022124.6 (MANE Select); coding-DNA position 437, C replaced by T.
Protein change: p.Pro146Leu; replaces proline 146 with leucine.
Molecular consequence: missense variant.
Genome position (GRCh38, 1-based): chr10:71,566,749, C>T. VCF-style: chr10-71566749-C-T. GRCh37 (hg19) VCF-style: chr10-73326506-C-T.
Other names: c.437C>T, p.Pro146Leu (NM_001171930.2, NM_001171931.2, NM_001171932.2 and 1 more transcripts); short protein forms P146L.
Identifiers: ClinVar variation 969524 (VCV000969524.9), dbSNP rs765103490, ClinGen allele CA5543442.

ClinVar aggregate classification (germline): Uncertain significance. Review status: criteria provided, multiple submitters, no conflicts (2 of 4 stars). 6 submissions from 6 submitters: Uncertain significance (5). 1 of the submissions does not count toward it. Last evaluated 2026-06-29.

Conditions:
CDH23-related disorder. Also called: CDH23-related disorders; CDH23-related condition.
Usher syndrome type 1 (USH1). Also called: RETINITIS PIGMENTOSA AND CONGENITAL DEAFNESS. Identifiers: Orphanet 231169, Orphanet 886, MedGen C1568247, MONDO:0010168, OMIM 276900.

Allele frequency attached by ClinVar (database versions not stated): gnomAD exomes below 0.00001; ExAC 0.00001; TOPMed 0.00001.
gnomAD v4.1: 4 of 1,602,674 alleles (0.00025%); highest among the groups gnomAD compares: South Asian, 0.0011%; no homozygotes.

Submissions (6):

PreventionGenetics, part of Exact Sciences
Classification: Uncertain significance for CDH23-related condition. Last evaluated: 2026-06-29. Review status: criteria provided, single submitter. Criteria: ACMG Guidelines, 2015. Collection method: clinical testing. Allele origin: germline.
Comment: The CDH23 c.437C>T variant is predicted to result in the amino acid substitution p.Pro146Leu. This variant was reported in individuals with hearing loss but no further evidence was provided to establish pathogenicity (Chen et al. 2016. PubMed ID: 27610647; Santos-Cortez et al. 2021. PubMed ID: 33924653). This variant is reported in 1 allele of the "Other" population in gnomAD. At this time, the clinical significance of this variant is uncertain due to the absence of conclusive functional and genetic evidence.

Blueprint Genetics
Classification: Uncertain significance. Last evaluated: 2024-10-09. Review status: criteria provided, single submitter. Criteria: ACMG Guidelines, 2015. Collection method: clinical testing. Allele origin: germline.

Women's Health and Genetics/Laboratory Corporation of America, LabCorp
Classification: Uncertain significance. Last evaluated: 2023-06-01. Review status: criteria provided, single submitter. Criteria: LabCorp Variant Classification Summary - May 2015. Collection method: clinical testing. Allele origin: germline.
Comment: Variant summary: CDH23 c.437C>T (p.Pro146Leu) results in a non-conservative amino acid change in the encoded protein sequence. Three of five in-silico tools predict a damaging effect of the variant on protein function. The variant allele was found at a frequency of 4.1e-06 in 242478 control chromosomes. The available data on variant occurrences in the general population are insufficient to allow any conclusion about variant significance. c.437C>T has been reported in the literature in at least two individuals with deafness without strong evidence for causality (e.g., Chen_2016, Santos-Cortez_2021). To our knowledge, no experimental evidence demonstrating an impact on protein function has been reported. The following publications have been ascertained in the context of this evaluation (PMID: 27610647, 33924653). Three clinical diagnostic laboratories have submitted clinical-significance assessments for this variant to ClinVar after 2014. All laboratories classified the variant as uncertain significance. Based on the evidence outlined above, the variant was classified as uncertain significance.

Labcorp Genetics (formerly Invitae), Labcorp
Classification: Uncertain significance. Last evaluated: 2022-09-13. Review status: criteria provided, single submitter. Criteria: Invitae Variant Classification Sherloc (09022015). Collection method: clinical testing. Allele origin: germline.
Comment: This sequence change replaces proline, which is neutral and non-polar, with leucine, which is neutral and non-polar, at codon 146 of the CDH23 protein (p.Pro146Leu). The frequency data for this variant in the population databases is considered unreliable, as metrics indicate poor data quality at this position in the gnomAD database. This missense change has been observed in individual(s) with deafness (PMID: 27610647, 33924653). ClinVar contains an entry for this variant (Variation ID: 969524). Advanced modeling of protein sequence and biophysical properties (such as structural, functional, and spatial information, amino acid conservation, physicochemical variation, residue mobility, and thermodynamic stability) performed at Invitae indicates that this missense variant is not expected to disrupt CDH23 protein function. In summary, the available evidence is currently insufficient to determine the role of this variant in disease. Therefore, it has been classified as a Variant of Uncertain Significance.

GeneDx
Classification: Uncertain significance. Last evaluated: 2022-01-02. Review status: criteria provided, single submitter. Criteria: GeneDx Variant Classification Process June 2021. Collection method: clinical testing. Allele origin: germline. Affected: yes.
Comment: Not observed at significant frequency in large population cohorts (gnomAD); In silico analysis supports that this missense variant has a deleterious effect on protein structure/function; Observed in patients with hearing loss in the published literature, although familial segregation information and additional clinical information were not included (Chen et al., 2016; Santos-Cortez et al., 2021); This variant is associated with the following publications: (PMID: 27610647, 33924653)

Natera, Inc.
Classification: Uncertain significance for Usher syndrome type 1. Last evaluated: 2020-06-25. Review status: no assertion criteria provided. Collection method: clinical testing. Allele origin: germline. Not counted in ClinVar's aggregate classification.

Literature cited by the submitters: PubMed 27610647 (cited by Women's Health and Genetics/Laboratory Corporation of America, LabCorp and Labcorp Genetics (formerly Invitae), Labcorp); PubMed 33924653 (cited by Women's Health and Genetics/Laboratory Corporation of America, LabCorp and Labcorp Genetics (formerly Invitae), Labcorp).